The following is an entry in ClinVar:

NM_001029896.2(WDR45):c.*19T>A

Gene: WDR45 (WD repeat domain 45; minus strand). Cytogenetic location: Xp11.23.
Variant type: single nucleotide variant.
Coding change: c.*19T>A on transcript NM_001029896.2 (MANE Select); 19 bases downstream of the stop codon, T replaced by A.
Molecular consequence: 3 prime UTR variant.
Genome position (GRCh38, 1-based): chrX:49,074,784, A>T on the plus strand (T>A on the coding strand, the complement: WDR45 is on the minus strand). VCF-style: chrX-49074784-A-T. GRCh37 (hg19) VCF-style: chrX-48932443-A-T.
Other names: c.*19T>A (NM_007075.4).
Identifiers: ClinVar variation 384400 (VCV000384400.2), dbSNP rs372576067, ClinGen allele CA10408408.
Genomic context (GRCh38, chrX:49,074,784, plus strand): 5'-GCTTCCAAGCACGCCCCACTGCCAAGGCTCAGCTCTGCAGTTCTGCCACTGCAGGTCCCT[A>T]GCACAGCCCCCAGGGTCCTTAAAAGTCATCATCATCACAGATGTCAAGGTACACGTCGAA-3'

ClinVar aggregate classification (germline): Likely benign. Review status: criteria provided, multiple submitters, no conflicts (2 of 4 stars). 2 submissions from 2 submitters: Likely benign (2). Last evaluated 2023-11-06.

Allele frequency attached by ClinVar (database versions not stated): TOPMed 0.00018; ESP Exome Variant Server 0.00028.
gnomAD v4.1: 395 of 1,181,291 alleles (0.033%); highest among the groups gnomAD compares: Middle Eastern, 0.092%; no homozygotes.

Submissions (2):

Blueprint Genetics
Classification: Likely benign. Last evaluated: 2023-11-06. Review status: criteria provided, single submitter. Criteria: ACMG Guidelines, 2015. Collection method: clinical testing. Allele origin: germline.

GeneDx
Classification: Likely benign. Last evaluated: 2017-09-02. Review status: criteria provided, single submitter. Criteria: GeneDx Variant Classification (06012015). Collection method: clinical testing. Allele origin: germline. Affected: yes.
Comment: This variant is considered likely benign or benign based on one or more of the following criteria: it is a conservative change, it occurs at a poorly conserved position in the protein, it is predicted to be benign by multiple in silico algorithms, and/or has population frequency not consistent with disease.